The following is an entry in ClinVar:

ClinVar aggregate classification (germline): Uncertain significance (1 of 4 stars; one submission).

Submission:

Women's Health and Genetics/Laboratory Corporation of America, LabCorp
Classification: Uncertain significance. Last evaluated: 2026-01-16. Review status: criteria provided, single submitter. Criteria: LabCorp Variant Classification Summary - May 2015. Collection method: clinical testing. Allele origin: germline.
Comment: Variant summary: GALC c.1187G>C (p.Arg396Pro) results in a non-conservative amino acid change in the encoded protein sequence. Algorithms developed to predict the effect of missense changes on protein structure and function all suggest that this variant is likely to be disruptive. The variant was absent in 248256 control chromosomes. The available data on variant occurrences in the general population are insufficient to allow any conclusion about variant significance. To our knowledge, no occurrence of c.1187G>C in individuals affected with GALC-related conditions and no experimental evidence demonstrating its impact on protein function have been reported. No submitters have cited clinical-significance assessments for this variant to ClinVar. Based on the evidence outlined above, the variant was classified as uncertain significance.

NM_000153.4(GALC):c.1187G>C (p.Arg396Pro)

Gene: GALC (galactosylceramidase; minus strand). Cytogenetic location: 14q31.3.
Variant type: single nucleotide variant.
Coding change: c.1187G>C on transcript NM_000153.4 (MANE Select); coding-DNA position 1187, G replaced by C.
Protein change: p.Arg396Pro; replaces arginine 396 with proline.
Molecular consequence: missense variant. On other transcripts: non-coding transcript variant (1).
Genome position (GRCh38, 1-based): chr14:87,950,723, C>G on the plus strand (G>C on the coding strand, the complement: GALC is on the minus strand). VCF-style: chr14-87950723-C-G. GRCh37 (hg19) VCF-style: chr14-88417067-C-G.
Other names: c.1118G>C, p.Arg373Pro (NM_001201401.2); c.1109G>C, p.Arg370Pro (NM_001201402.2); c.1019G>C, p.Arg340Pro (NM_001424071.1, NM_001424072.1, NM_001424073.1); c.839G>C, p.Arg280Pro (NM_001424074.1, NM_001424075.1); c.554G>C, p.Arg185Pro (NM_001424076.1, NM_001424077.1); short protein forms R185P, R280P, R340P, R370P, R373P, R396P.
Identifiers: ClinVar variation 4689318 (VCV004689318.1).